The following is an entry in ClinVar:

ClinVar aggregate classification (germline): Uncertain significance. Review status: criteria provided, multiple submitters, no conflicts (2 of 4 stars). 2 submissions from 2 submitters: Uncertain significance (2). Last evaluated 2025-08-27.

Conditions:
Inborn genetic diseases. Identifiers: MedGen C0950123, MeSH D030342.

gnomAD v4.1: 5 of 1,610,230 alleles (0.00031%); highest among the groups gnomAD compares: East Asian, 0.0045%; no homozygotes.

Submissions (2):

Labcorp Genetics (formerly Invitae), Labcorp
Classification: Uncertain significance. Last evaluated: 2025-08-27. Review status: criteria provided, single submitter. Criteria: Invitae Variant Classification Sherloc (09022015). Collection method: clinical testing. Allele origin: germline.
Comment: This sequence change replaces glycine, which is neutral and non-polar, with arginine, which is basic and polar, at codon 119 of the TCF3 protein (p.Gly119Arg). This variant is not present in population databases (gnomAD no frequency). This variant has not been reported in the literature in individuals affected with TCF3-related conditions. ClinVar contains an entry for this variant (Variation ID: 2496284). Invitae Evidence Modeling of protein sequence and biophysical properties (such as structural, functional, and spatial information, amino acid conservation, physicochemical variation, residue mobility, and thermodynamic stability) indicates that this missense variant is not expected to disrupt TCF3 protein function with a negative predictive value of 80%. In summary, the available evidence is currently insufficient to determine the role of this variant in disease. Therefore, it has been classified as a Variant of Uncertain Significance.

Ambry Genetics
Classification: Uncertain significance for Inborn genetic diseases. Last evaluated: 2023-03-14. Review status: criteria provided, single submitter. Criteria: Ambry Variant Classification Scheme 2023. Collection method: clinical testing. Allele origin: germline.

NM_003200.5(TCF3):c.355G>C (p.Gly119Arg)

Gene: TCF3 (transcription factor 3; minus strand). Cytogenetic location: 19p13.3.
Variant type: single nucleotide variant.
Coding change: c.355G>C on transcript NM_003200.5 (MANE Select); coding-DNA position 355, G replaced by C.
Protein change: p.Gly119Arg; replaces glycine 119 with arginine.
Molecular consequence: missense variant.
Genome position (GRCh38, 1-based): chr19:1,627,370, C>G on the plus strand (G>C on the coding strand, the complement: TCF3 is on the minus strand). VCF-style: chr19-1627370-C-G. GRCh37 (hg19) VCF-style: chr19-1627369-C-G.
Other names: c.355G>C, p.Gly119Arg (NM_001136139.4, NM_001351778.2, NM_001351779.2); short protein forms G119R.
Identifiers: ClinVar variation 2496284 (VCV002496284.5), dbSNP rs35936626, ClinGen allele CA403057340.